The following is an entry in ClinVar:

ClinVar aggregate classification (germline): Uncertain significance (1 of 4 stars; one submission).

Submission:

Labcorp Genetics (formerly Invitae), Labcorp
Classification: Uncertain significance. Last evaluated: 2024-11-18. Review status: criteria provided, single submitter. Criteria: Invitae Variant Classification Sherloc (09022015). Collection method: clinical testing. Allele origin: germline.
Comment: This sequence change falls in intron 9 of the KLHL7 gene. It does not directly change the encoded amino acid sequence of the KLHL7 protein. It affects a nucleotide within the consensus splice site. This variant is not present in population databases (gnomAD no frequency). This variant has not been reported in the literature in individuals affected with KLHL7-related conditions. Variants that disrupt the consensus splice site are a relatively common cause of aberrant splicing (PMID: 17576681, 9536098). Algorithms developed to predict the effect of sequence changes on RNA splicing suggest that this variant is not likely to affect RNA splicing. In summary, the available evidence is currently insufficient to determine the role of this variant in disease. Therefore, it has been classified as a Variant of Uncertain Significance.

Literature cited by the submitters: PubMed 17576681; PubMed 9536098.

NM_001031710.3(KLHL7):c.1380-3C>T

Gene: KLHL7 (kelch like family member 7; plus strand). Cytogenetic location: 7p15.3.
Variant type: single nucleotide variant.
Coding change: c.1380-3C>T on transcript NM_001031710.3 (MANE Select); 3 bases into the intron before coding-DNA position 1380, C replaced by T.
Molecular consequence: intron variant.
Genome position (GRCh38, 1-based): chr7:23,172,945, C>T. VCF-style: chr7-23172945-C-T. GRCh37 (hg19) VCF-style: chr7-23212564-C-T.
Other names: c.1236-3C>T (NM_018846.5).
Identifiers: ClinVar variation 3699112 (VCV003699112.2).